The following is an entry in ClinVar:

ClinVar aggregate classification (germline): Uncertain significance (1 of 4 stars; one submission).

Conditions:
Developmental and epileptic encephalopathy, 12 (DEE12). Identifiers: MedGen C3150988, MONDO:0013389, OMIM 613722.

Allele frequency attached by ClinVar (database versions not stated): ExAC 0.00002; gnomAD 0.00002; gnomAD exomes 0.00002; TOPMed 0.00006.
gnomAD v4.1: 49 of 1,613,974 alleles (0.003%); highest among the groups gnomAD compares: Admixed American, 0.012%; no homozygotes.

Submission:

Labcorp Genetics (formerly Invitae), Labcorp
Classification: Uncertain significance for Developmental and epileptic encephalopathy, 12. Last evaluated: 2023-05-23. Review status: criteria provided, single submitter. Criteria: Invitae Variant Classification Sherloc (09022015). Collection method: clinical testing. Allele origin: germline.
Comment: This sequence change replaces glycine, which is neutral and non-polar, with alanine, which is neutral and non-polar, at codon 1191 of the PLCB1 protein (p.Gly1191Ala). This variant is present in population databases (rs772366922, gnomAD 0.009%). This variant has not been reported in the literature in individuals affected with PLCB1-related conditions. ClinVar contains an entry for this variant (Variation ID: 1061828). Algorithms developed to predict the effect of missense changes on protein structure and function output the following: SIFT: "Not Available"; PolyPhen-2: "Benign"; Align-GVGD: "Not Available". The alanine amino acid residue is found in multiple mammalian species, which suggests that this missense change does not adversely affect protein function. In summary, the available evidence is currently insufficient to determine the role of this variant in disease. Therefore, it has been classified as a Variant of Uncertain Significance.

NM_015192.4(PLCB1):c.3572G>C (p.Gly1191Ala)

Gene: PLCB1 (phospholipase C beta 1; plus strand). Cytogenetic location: 20p12.3.
Variant type: single nucleotide variant.
Coding change: c.3572G>C on transcript NM_015192.4 (MANE Select); coding-DNA position 3572, G replaced by C.
Protein change: p.Gly1191Ala; replaces glycine 1191 with alanine.
Molecular consequence: missense variant. On other transcripts: 3 prime UTR variant (1).
Genome position (GRCh38, 1-based): chr20:8,881,770, G>C. VCF-style: chr20-8881770-G-C. GRCh37 (hg19) VCF-style: chr20-8862417-G-C.
Other names: c.*168G>C (NM_182734.3); short protein forms G1191A.
Identifiers: ClinVar variation 1061828 (VCV001061828.5), dbSNP rs772366922, ClinGen allele CA9760648.